The following is an entry in ClinVar:

ClinVar aggregate classification (germline): Uncertain significance (1 of 4 stars; one submission).

Submission:

GeneDx
Classification: Uncertain significance. Last evaluated: 2022-03-03. Review status: criteria provided, single submitter. Criteria: GeneDx Variant Classification Process June 2021. Collection method: clinical testing. Allele origin: germline. Affected: yes.
Comment: Not observed at significant frequency in large population cohorts (gnomAD); In silico analysis supports that this missense variant does not alter protein structure/function; Has not been previously published as pathogenic or benign to our knowledge

NM_024665.7(TBL1XR1):c.671G>A (p.Ser224Asn)

Gene: TBL1XR1 (TBL1X/Y related 1; minus strand). Cytogenetic location: 3q26.32.
Variant type: single nucleotide variant.
Coding change: c.671G>A on transcript NM_024665.7 (MANE Select); coding-DNA position 671, G replaced by A.
Protein change: p.Ser224Asn; replaces serine 224 with asparagine.
Molecular consequence: missense variant.
Genome position (GRCh38, 1-based): chr3:177,050,028, C>T on the plus strand (G>A on the coding strand, the complement: TBL1XR1 is on the minus strand). VCF-style: chr3-177050028-C-T. GRCh37 (hg19) VCF-style: chr3-176767816-C-T.
Other names: c.671G>A, p.Ser224Asn (NM_001321193.3, NM_001321194.3, NM_001374327.1 and 2 more transcripts); c.410G>A, p.Ser137Asn (NM_001321195.3, NM_001374330.1); short protein forms S137N, S224N.
Identifiers: ClinVar variation 1703940 (VCV001703940.2), dbSNP rs2473719993, ClinGen allele CA355552449.
Genomic context (GRCh38, chr3:177,050,028, plus strand): 5'-ATATCCATCATGGATATAGTGATACTCACATTCCAATCTAGAGATGTGACATCCTTGTTG[C>T]TTGGAACATCTTGCCCTCCTTCTCGTATACAATGTCTAAGTACTAACTGTGTAGAGCCAC-3'
Protein context (NP_078941.2, residues 214-234): CIREGGQDVP[Ser224Asn]NKDVTSLDWN